The following is an entry in ClinVar:

NM_001394372.1(BICRA):c.1646T>C (p.Val549Ala)

Gene: BICRA (BRD4 interacting chromatin remodeling complex associated protein; plus strand). Cytogenetic location: 19q13.33.
Variant type: single nucleotide variant.
Coding change: c.1646T>C on transcript NM_001394372.1 (MANE Select); coding-DNA position 1646, T replaced by C.
Protein change: p.Val549Ala; replaces valine 549 with alanine.
Molecular consequence: missense variant.
Genome position (GRCh38, 1-based): chr19:47,680,816, T>C. VCF-style: chr19-47680816-T-C. GRCh37 (hg19) VCF-style: chr19-48184073-T-C.
Other names: c.1646T>C, p.Val549Ala (NM_015711.3); short protein forms V549A.
Identifiers: ClinVar variation 3383593 (VCV003383593.1).

ClinVar aggregate classification (germline): Uncertain significance (1 of 4 stars; one submission).

Submission:

GeneDx
Classification: Uncertain significance. Last evaluated: 2024-05-26. Review status: criteria provided, single submitter. Criteria: GeneDx Variant Classification Process June 2021. Collection method: clinical testing. Allele origin: germline. Affected: yes.
Comment: Not observed at significant frequency in large population cohorts (gnomAD); In silico analysis indicates that this missense variant does not alter protein structure/function; Has not been previously published as pathogenic or benign to our knowledge